The following is an entry in ClinVar:

ClinVar aggregate classification (germline): Uncertain significance. Review status: criteria provided, multiple submitters, no conflicts (2 of 4 stars). 2 submissions from 2 submitters: Uncertain significance (2). Last evaluated 2025-08-06.

Conditions:
Familial adenomatous polyposis 1 (FAP1). Also called: POLYPOSIS, ADENOMATOUS INTESTINAL; FAMILIAL ADENOMATOUS POLYPOSIS 1, ATTENUATED. Identifiers: MedGen C2713442, MONDO:0021056, OMIM 175100. Disease mechanism: loss of function.
Hereditary cancer-predisposing syndrome. Also called: Neoplastic Syndromes, Hereditary; Hereditary Cancer Syndrome; Hereditary neoplastic syndrome; Tumor predisposition. Identifiers: Orphanet 140162, MedGen C0027672, MeSH D009386, MONDO:0015356.

Allele frequency attached by ClinVar (database versions not stated): gnomAD exomes below 0.00001; TOPMed below 0.00001.
gnomAD v4.1: 1 of 1,614,200 alleles (0.000062%); highest among the groups gnomAD compares: Non-Finnish European, 0.000085%; no homozygotes.

Submissions (2):

Labcorp Genetics (formerly Invitae), Labcorp
Classification: Uncertain significance for Familial adenomatous polyposis 1. Last evaluated: 2025-08-06. Review status: criteria provided, single submitter. Criteria: Invitae Variant Classification Sherloc (09022015). Collection method: clinical testing. Allele origin: germline.
Comment: This sequence change replaces serine, which is neutral and polar, with threonine, which is neutral and polar, at codon 943 of the APC protein (p.Ser943Thr). This variant is not present in population databases (gnomAD no frequency). This variant has not been reported in the literature in individuals affected with APC-related conditions. ClinVar contains an entry for this variant (Variation ID: 1422022). Invitae Evidence Modeling of protein sequence and biophysical properties (such as structural, functional, and spatial information, amino acid conservation, physicochemical variation, residue mobility, and thermodynamic stability) indicates that this missense variant is not expected to disrupt APC protein function with a negative predictive value of 95%. In summary, the available evidence is currently insufficient to determine the role of this variant in disease. Therefore, it has been classified as a Variant of Uncertain Significance.

Ambry Genetics
Classification: Uncertain significance for Hereditary cancer-predisposing syndrome. Last evaluated: 2024-12-06. Review status: criteria provided, single submitter. Criteria: Ambry Variant Classification Scheme 2023. Collection method: clinical testing. Allele origin: germline.
Comment: The p.S943T variant (also known as c.2827T>A), located in coding exon 15 of the APC gene, results from a T to A substitution at nucleotide position 2827. The serine at codon 943 is replaced by threonine, an amino acid with similar properties. Missense alterations in APC are not a common cause of disease (Spier I et al. Genet Med. 2024 Feb;26(2):100992). This amino acid position is well conserved in available vertebrate species. In addition, in silico predictors for this gene do not accurately predict pathogenicity. Based on the available evidence, the clinical significance of this variant remains unclear.

NM_000038.6(APC):c.2827T>A (p.Ser943Thr)

Gene: APC (APC regulator of Wnt signaling pathway; plus strand). Cytogenetic location: 5q22.2.
Variant type: single nucleotide variant.
Coding change: c.2827T>A on transcript NM_000038.6 (MANE Select); coding-DNA position 2827, T replaced by A.
Protein change: p.Ser943Thr; replaces serine 943 with threonine.
Molecular consequence: missense variant.
Genome position (GRCh38, 1-based): chr5:112,838,421, T>A. VCF-style: chr5-112838421-T-A. GRCh37 (hg19) VCF-style: chr5-112174118-T-A.
Other names: c.2827T>A, p.Ser943Thr (NM_001127510.3, NM_001354895.2); c.2773T>A, p.Ser925Thr (NM_001127511.3); c.2881T>A, p.Ser961Thr (NM_001354896.2); c.2857T>A, p.Ser953Thr (NM_001354897.2); c.2752T>A, p.Ser918Thr (NM_001354898.2); c.2743T>A, p.Ser915Thr (NM_001354899.2); c.2704T>A, p.Ser902Thr (NM_001354900.2); c.2650T>A, p.Ser884Thr (NM_001354901.2); and 5 more; short protein forms S943T, S953T, S660T, S852T, S884T, S918T, S961T, S783T.
Identifiers: ClinVar variation 1422022 (VCV001422022.11), dbSNP rs1765275278, ClinGen allele CA16027497.